The following is an entry in ClinVar:

NM_004364.5(CEBPA):c.368G>T (p.Gly123Val)

Gene: CEBPA (CCAAT enhancer binding protein alpha; minus strand). Cytogenetic location: 19q13.11.
Variant type: single nucleotide variant.
Coding change: c.368G>T on transcript NM_004364.5 (MANE Select); coding-DNA position 368, G replaced by T.
Protein change: p.Gly123Val; replaces glycine 123 with valine.
Molecular consequence: missense variant.
Genome position (GRCh38, 1-based): chr19:33,302,047, C>A on the plus strand (G>T on the coding strand, the complement: CEBPA is on the minus strand). VCF-style: chr19-33302047-C-A. GRCh37 (hg19) VCF-style: chr19-33792953-C-A.
Other names: c.368G>T (NM_004364.3); c.11G>T, p.Gly4Val (NM_001285829.2); c.473G>T, p.Gly158Val (NM_001287424.2); c.326G>T, p.Gly109Val (NM_001287435.2); short protein forms G109V, G4V, G158V, G123V.
Identifiers: ClinVar variation 650119 (VCV000650119.12), dbSNP rs1600023321, ClinGen allele CA405275096.

ClinVar aggregate classification (germline): Uncertain significance. Review status: criteria provided, multiple submitters, no conflicts (2 of 4 stars). 2 submissions from 2 submitters: Uncertain significance (2). Last evaluated 2025-04-19.

Conditions:
Inborn genetic diseases. Identifiers: MedGen C0950123, MeSH D030342.
Acute myeloid leukemia (AML). Also called: Acute myeloid leukemia, adult; AML adult; Acute non-lymphocytic leukemia; Acute granulocytic leukemia; Leukemia, acute myeloid, somatic; Leukemia, acute myelogenous, somatic. Identifiers: Orphanet 519, MedGen C0023467, MeSH D015470, MONDO:0018874, OMIM 601626, HP:0004808. Disease mechanism: Constitutively activated FLT3.

Submissions (2):

Ambry Genetics
Classification: Uncertain significance for Inborn genetic diseases. Last evaluated: 2025-04-19. Review status: criteria provided, single submitter. Criteria: Ambry Variant Classification Scheme 2023. Collection method: clinical testing. Allele origin: germline.
Comment: The p.G123V variant (also known as c.368G>T), located in coding exon 1 of the CEBPA gene, results from a G to T substitution at nucleotide position 368. The glycine at codon 123 is replaced by valine, an amino acid with dissimilar properties. This amino acid position is conserved. In addition, this alteration is predicted to be tolerated by in silico analysis. Based on the available evidence, the clinical significance of this variant remains unclear.

Labcorp Genetics (formerly Invitae), Labcorp
Classification: Uncertain significance for Acute myeloid leukemia. Last evaluated: 2019-12-07. Review status: criteria provided, single submitter. Criteria: Invitae Variant Classification Sherloc (09022015). Collection method: clinical testing. Allele origin: germline.
Comment: In summary, the available evidence is currently insufficient to determine the role of this variant in disease. Therefore, it has been classified as a Variant of Uncertain Significance. Algorithms developed to predict the effect of missense changes on protein structure and function (SIFT, PolyPhen-2, Align-GVGD) all suggest that this variant is likely to be tolerated, but these predictions have not been confirmed by published functional studies and their clinical significance is uncertain. This variant has not been reported in the literature in individuals with CEBPA-related conditions. The frequency data for this variant in the population databases is considered unreliable, as metrics indicate insufficient coverage at this position in the ExAC database. This sequence change replaces glycine with valine at codon 123 of the CEBPA protein (p.Gly123Val). The glycine residue is weakly conserved and there is a moderate physicochemical difference between glycine and valine.